The following is an entry in ClinVar:

ClinVar aggregate classification (germline): Uncertain significance. Review status: criteria provided, multiple submitters, no conflicts (2 of 4 stars). 2 submissions from 2 submitters: Uncertain significance (2). Last evaluated 2025-01-23.

Conditions:
Inborn genetic diseases. Identifiers: MedGen C0950123, MeSH D030342.

gnomAD v4.1: 2 of 1,513,230 alleles (0.00013%); highest among the groups gnomAD compares: East Asian, 0.0027%; no homozygotes.

Submissions (2):

Ambry Genetics
Classification: Uncertain significance for Inborn genetic diseases. Last evaluated: 2025-01-23. Review status: criteria provided, single submitter. Criteria: Ambry Variant Classification Scheme 2023. Collection method: clinical testing. Allele origin: germline.
Comment: The p.G17V variant (also known as c.50G>T), located in coding exon 1 of the FANCA gene, results from a G to T substitution at nucleotide position 50. The glycine at codon 17 is replaced by valine, an amino acid with dissimilar properties. This amino acid position is conserved. In addition, this alteration is predicted to be tolerated by in silico analysis. Based on the available evidence, the clinical significance of this variant remains unclear.

Quest Diagnostics Nichols Institute San Juan Capistrano
Classification: Uncertain significance. Last evaluated: 2022-10-17. Review status: criteria provided, single submitter. Criteria: Quest Diagnostics criteria. Collection method: clinical testing. Allele origin: unknown.
Comment: This variant has not been reported in the published literature. The frequency of this variant in the general population, 0.0000066 (1/152088 chromosomes), is uninformative in assessment of its pathogenicity. Analysis of this variant using bioinformatics tools for the prediction of the effect of amino acid changes on protein structure and function yielded predictions that this variant is benign. Based on the available information, we are unable to determine the clinical significance of this variant.

NM_000135.4(FANCA):c.50G>T (p.Gly17Val)

Genes: FANCA (FA complementation group A; minus strand), LOC112486223 (Sharpr-MPRA regulatory region 3988; plus strand). Cytogenetic location: 16q24.3.
Variant type: single nucleotide variant.
Coding change: c.50G>T on transcript NM_000135.4 (MANE Select); coding-DNA position 50, G replaced by T.
Protein change: p.Gly17Val; replaces glycine 17 with valine.
Molecular consequence: missense variant.
Genome position (GRCh38, 1-based): chr16:89,816,566, C>A on the plus strand (G>T on the coding strand, the complement: FANCA is on the minus strand). VCF-style: chr16-89816566-C-A. GRCh37 (hg19) VCF-style: chr16-89882974-C-A.
Other names: c.50G>T, p.Gly17Val (NM_001018112.3, NM_001286167.3, NM_001351830.2); short protein forms G17V.
Identifiers: ClinVar variation 2681909 (VCV002681909.2), dbSNP rs1326963514, ClinGen allele CA397484476.